The following is an entry in ClinVar:

NM_006506.5(RASA2):c.2285A>G (p.Tyr762Cys)

Gene: RASA2 (RAS p21 protein activator 2; plus strand). Cytogenetic location: 3q23.
Variant type: single nucleotide variant.
Coding change: c.2285A>G on transcript NM_006506.5 (MANE Select); coding-DNA position 2285, A replaced by G.
Protein change: p.Tyr762Cys; replaces tyrosine 762 with cysteine.
Molecular consequence: missense variant.
Genome position (GRCh38, 1-based): chr3:141,609,479, A>G. VCF-style: chr3-141609479-A-G. GRCh37 (hg19) VCF-style: chr3-141328321-A-G.
Other names: c.2288A>G, p.Tyr763Cys (NM_001303245.3); c.2297A>G, p.Tyr766Cys (NM_001303246.3); short protein forms Y763C, Y762C, Y766C.
Identifiers: ClinVar variation 2065732 (VCV002065732.5), dbSNP rs1216975936, ClinGen allele CA354776703.

ClinVar aggregate classification (germline): Uncertain significance. Review status: criteria provided, multiple submitters, no conflicts (2 of 4 stars). 2 submissions from 2 submitters: Uncertain significance (2). Last evaluated 2022-03-05.

Allele frequency attached by ClinVar (database versions not stated): gnomAD 0.00001; gnomAD exomes 0.00003.
gnomAD v4.1: 23 of 1,605,758 alleles (0.0014%); highest among the groups gnomAD compares: African/African-American, 0.0027%; no homozygotes.

Submissions (2):

Labcorp Genetics (formerly Invitae), Labcorp
Classification: Uncertain significance. Last evaluated: 2022-03-05. Review status: criteria provided, single submitter. Criteria: Invitae Variant Classification Sherloc (09022015). Collection method: clinical testing. Allele origin: germline.
Comment: This sequence change replaces tyrosine, which is neutral and polar, with cysteine, which is neutral and slightly polar, at codon 762 of the RASA2 protein (p.Tyr762Cys). In summary, the available evidence is currently insufficient to determine the role of this variant in disease. Therefore, it has been classified as a Variant of Uncertain Significance. Algorithms developed to predict the effect of missense changes on protein structure and function are either unavailable or do not agree on the potential impact of this missense change (SIFT: "Tolerated"; PolyPhen-2: "Possibly Damaging"; Align-GVGD: "Class C0"). This variant has not been reported in the literature in individuals affected with RASA2-related conditions. This variant is present in population databases (no rsID available, gnomAD 0.003%).

Blueprint Genetics
Classification: Uncertain significance. Last evaluated: 2021-06-10. Review status: criteria provided, single submitter. Criteria: ACMG Guidelines, 2015. Collection method: clinical testing. Allele origin: germline.